The following is an entry in ClinVar:

ClinVar aggregate classification (germline): Uncertain significance. Review status: criteria provided, single submitter (1 of 4 stars). 2 submissions from 2 submitters: Uncertain significance (1). 1 of the submissions does not count toward it. Last evaluated 2025-12-24.

Conditions:
Orthostatic hypotension 1 (ORTHYP1). Also called: Dopamine beta-hydroxylase deficiency; NORADRENALINE DEFICIENCY; NOREPINEPHRINE DEFICIENCY; Orthostatic hypotension 1, due to DBH deficiency. Identifiers: Orphanet 230, MedGen C4746777, MONDO:0009123, OMIM 223360.
DBH-related disorder. Also called: DBH-related condition.

Allele frequency attached by ClinVar (database versions not stated): gnomAD 0.00003 and 0.00004; TOPMed 0.00005; ExAC 0.00008; gnomAD exomes 0.00008.
gnomAD v4.1: 61 of 1,611,870 alleles (0.0038%); highest among the groups gnomAD compares: East Asian, 0.049%; 1 homozygote.

Submissions (2):

Labcorp Genetics (formerly Invitae), Labcorp
Classification: Uncertain significance for Orthostatic hypotension 1. Last evaluated: 2025-12-24. Review status: criteria provided, single submitter. Criteria: Invitae Variant Classification Sherloc (09022015). Collection method: clinical testing. Allele origin: germline.
Comment: This sequence change affects codon 478 of the DBH mRNA. It is a 'silent' change, meaning that it does not change the encoded amino acid sequence of the DBH protein. This variant also falls at the last nucleotide of exon 9, which is part of the consensus splice site for this exon. This variant is present in population databases (rs369903212, gnomAD 0.1%). This variant has not been reported in the literature in individuals affected with DBH-related conditions. ClinVar contains an entry for this variant (Variation ID: 529771). Variants that disrupt the consensus splice site are a relatively common cause of aberrant splicing (PMID: 17576681, 9536098). Algorithms developed to predict the effect of sequence changes on RNA splicing suggest that this variant is not likely to affect RNA splicing. In summary, the available evidence is currently insufficient to determine the role of this variant in disease. Therefore, it has been classified as a Variant of Uncertain Significance.

PreventionGenetics, part of Exact Sciences
Classification: Likely benign for DBH-related condition. Last evaluated: 2019-10-22. Review status: no assertion criteria provided. Collection method: clinical testing. Allele origin: germline. Not counted in ClinVar's aggregate classification.
Comment: This variant is classified as likely benign based on ACMG/AMP sequence variant interpretation guidelines (Richards et al. 2015 PMID: 25741868, with internal and published modifications).

Literature cited by the submitters: PubMed 17576681 (cited by Labcorp Genetics (formerly Invitae), Labcorp); PubMed 9536098 (cited by Labcorp Genetics (formerly Invitae), Labcorp).

NM_000787.4(DBH):c.1434G>A (p.Val478=)

Gene: DBH (dopamine beta-hydroxylase; plus strand). Cytogenetic location: 9q34.2.
Variant type: single nucleotide variant.
Coding change: c.1434G>A on transcript NM_000787.4 (MANE Select); coding-DNA position 1434, G replaced by A.
Protein change: p.Val478=; no amino-acid change (valine 478 retained).
Molecular consequence: synonymous variant.
Genome position (GRCh38, 1-based): chr9:133,652,999, G>A. VCF-style: chr9-133652999-G-A. GRCh37 (hg19) VCF-style: chr9-136518121-G-A.
Identifiers: ClinVar variation 529771 (VCV000529771.6), dbSNP rs369903212, ClinGen allele CA5313510.